The following is an entry in ClinVar:

NM_058216.3(RAD51C):c.1018C>T (p.Gln340Ter)

Gene: RAD51C (RAD51 paralog C; plus strand). Cytogenetic location: 17q22.
Variant type: single nucleotide variant.
Coding change: c.1018C>T on transcript NM_058216.3 (MANE Select); coding-DNA position 1018, C replaced by T.
Protein change: p.Gln340Ter; replaces glutamine 340 with a stop codon.
Molecular consequence: nonsense. On other transcripts: non-coding transcript variant (1).
Genome position (GRCh38, 1-based): chr17:58,732,536, C>T. VCF-style: chr17-58732536-C-T. GRCh37 (hg19) VCF-style: chr17-56809897-C-T.
Other names: short protein forms Q340*.
Identifiers: ClinVar variation 486270 (VCV000486270.18), dbSNP rs1555605103, ClinGen allele CA400365176.

ClinVar aggregate classification (germline): Pathogenic/Likely pathogenic. Review status: criteria provided, multiple submitters, no conflicts (2 of 4 stars). 5 submissions from 5 submitters: Pathogenic (1); Likely pathogenic (4). Last evaluated 2025-11-21.

Conditions:
Breast-ovarian cancer, familial, susceptibility to, 3. Also called: RAD51C-Related Breast/Ovarian Cancer. Identifiers: Orphanet 145, MedGen C3150659, MONDO:0013253, OMIM 613399.
Fanconi anemia complementation group O. Also called: RAD51C-Related Fanconi Anemia. Identifiers: Orphanet 84, MedGen C3150653, MONDO:0013248, OMIM 613390.
Hereditary cancer-predisposing syndrome. Also called: Tumor predisposition; Neoplastic Syndromes, Hereditary; Hereditary Cancer Syndrome; Hereditary neoplastic syndrome. Identifiers: Orphanet 140162, MedGen C0027672, MeSH D009386, MONDO:0015356.

Allele frequency attached by ClinVar (database versions not stated): gnomAD exomes below 0.00001.
gnomAD v4.1: 1 of 1,612,226 alleles (0.000062%); highest among the groups gnomAD compares: Non-Finnish European, 0.000085%; no homozygotes.

Submissions (5):

Labcorp Genetics (formerly Invitae), Labcorp
Classification: Likely pathogenic for Fanconi anemia complementation group O. Last evaluated: 2025-11-21. Review status: criteria provided, single submitter. Criteria: Invitae Variant Classification Sherloc (09022015). Collection method: clinical testing. Allele origin: germline.
Comment: This sequence change creates a premature translational stop signal (p.Gln340*) in the RAD51C gene. While this is not anticipated to result in nonsense mediated decay, it is expected to disrupt the last 37 amino acid(s) of the RAD51C protein. This variant is not present in population databases (gnomAD no frequency). This premature translational stop signal has been observed in individual(s) with ovarian cancer (PMID: 28888541). ClinVar contains an entry for this variant (Variation ID: 486270). RNA analysis performed to evaluate the impact of this premature translational stop signal on mRNA splicing indicates it does not significantly alter splicing (internal data). This variant disrupts the nuclear localization signal (NLS) of the RAD51C protein, which is important for proper localization and function of the RAD51C protein (PMID:12966089). While functional studies have not been performed to directly test the effect of this variant on RAD51C protein function, this suggests that disruption of this region of the protein is causative of disease. In summary, the currently available evidence indicates that the variant is pathogenic, but additional data are needed to prove that conclusively. Therefore, this variant has been classified as Likely Pathogenic.

Myriad Genetics, Inc.
Classification: Pathogenic for Breast-ovarian cancer, familial, susceptibility to, 3. Last evaluated: 2025-01-31. Review status: criteria provided, single submitter. Criteria: Myriad Autosomal Dominant, Autosomal Recessive and X-Linked Classification Criteria (2023). Collection method: clinical testing. Allele origin: unknown.
Comment: This variant is considered pathogenic. This variant creates a termination codon and is predicted to result in premature protein truncation.

Ambry Genetics
Classification: Likely pathogenic for Hereditary cancer-predisposing syndrome. Last evaluated: 2024-12-31. Review status: criteria provided, single submitter. Criteria: Ambry Variant Classification Scheme 2023. Collection method: clinical testing. Allele origin: germline.
Comment: The p.Q340* variant (also known as c.1018C>T), located in coding exon 8 of the RAD51C gene, results from a C to T substitution at nucleotide position 1018. This changes the amino acid from a glutamine to a stop codon. This variant was detected in a cohort of 7768 adult ovarian cancer cases of European ancestry (Lilyquist J et al. Gynecol Oncol, 2017 11;147:375-380). Premature stop codons are typically deleterious in nature; however, this stop codon occurs at the 3' terminus within coding exon 8, which is the penultimate exon of the gene, and is not expected to trigger nonsense-mediated mRNA decay. However, this variant is predicted to truncate the C-terminal region of the protein including the terminal end of the RECA domain and a nuclear localization signal (NLS) (Magrane M, et al. Database (Oxford) 2011). This variant is considered to be rare based on population cohorts in the Genome Aggregation Database (gnomAD). Based on the majority of available evidence to date, this variant is likely to be pathogenic.

Baylor Genetics
Classification: Likely pathogenic for Breast-ovarian cancer, familial, susceptibility to, 3. Last evaluated: 2024-03-26. Review status: criteria provided, single submitter. Criteria: ACMG Guidelines, 2015. Collection method: clinical testing. Allele origin: unknown.

Color Diagnostics, LLC DBA Color Health
Classification: Likely pathogenic for Hereditary cancer-predisposing syndrome. Last evaluated: 2020-08-26. Review status: criteria provided, single submitter. Criteria: ACMG Guidelines, 2015. Collection method: clinical testing. Allele origin: germline.
Comment: This variant changes 1 nucleotide in exon 8 of the RAD51C gene, creating a translation stop signal. The mutant transcript is expected to escape nonsense-mediated decay and be expressed as a truncated protein lacking the C-terminal portion of ATPase domain (a.a. 100-347) (PMID: 1731253) and binding domain to other RAD51 paralogs (a.a. 79-376) (PMID: 14704354), as well as nuclear localization signal (a.a. 366-370) (PMID: 12966089). To our knowledge, this variant has not been reported in individuals affected with hereditary cancer in the literature. However, splice site and deletion variants that disrupt the last exon 9, encoding a.a. 343-376, have been reported in individuals affected with ovarian cancer (PMID: 26270727, Color internal data, communication with external laboratory). This variant has not been identified in the general population by the Genome Aggregation Database (gnomAD). Loss of RAD51C function is a known mechanism of disease. Based on the available evidence, this variant is classified as Likely Pathogenic.

Literature cited by the submitters: PubMed 28888541 (cited by Labcorp Genetics (formerly Invitae), Labcorp and Ambry Genetics); PubMed 12966089 (cited by Labcorp Genetics (formerly Invitae), Labcorp); PubMed 21447597 (cited by Ambry Genetics); PubMed 23500037 (cited by Ambry Genetics).